The following is an entry in ClinVar:

ClinVar aggregate classification (germline): Uncertain significance (1 of 4 stars; one submission).

Submission:

Labcorp Genetics (formerly Invitae), Labcorp
Classification: Uncertain significance. Last evaluated: 2022-08-11. Review status: criteria provided, single submitter. Criteria: Invitae Variant Classification Sherloc (09022015). Collection method: clinical testing. Allele origin: germline.
Comment: This variant has not been reported in the literature in individuals affected with IFT74-related conditions. This variant is not present in population databases (gnomAD no frequency). This sequence change replaces threonine, which is neutral and polar, with alanine, which is neutral and non-polar, at codon 478 of the IFT74 protein (p.Thr478Ala). Algorithms developed to predict the effect of missense changes on protein structure and function (SIFT, PolyPhen-2, Align-GVGD) all suggest that this variant is likely to be tolerated. In summary, the available evidence is currently insufficient to determine the role of this variant in disease. Therefore, it has been classified as a Variant of Uncertain Significance.

NM_025103.4(IFT74):c.1432A>G (p.Thr478Ala)

Gene: IFT74 (intraflagellar transport 74; plus strand). Cytogenetic location: 9p21.2.
Variant type: single nucleotide variant.
Coding change: c.1432A>G on transcript NM_025103.4 (MANE Select); coding-DNA position 1432, A replaced by G.
Protein change: p.Thr478Ala; replaces threonine 478 with alanine.
Molecular consequence: missense variant.
Genome position (GRCh38, 1-based): chr9:27,055,707, A>G. VCF-style: chr9-27055707-A-G. GRCh37 (hg19) VCF-style: chr9-27055705-A-G.
Other names: c.1432A>G, p.Thr478Ala (NM_001099222.3, NM_001099223.3, NM_001349928.2); short protein forms T478A.
Identifiers: ClinVar variation 1976120 (VCV001976120.3), dbSNP rs2489721074, ClinGen allele CA373128239.